The following is an entry in ClinVar:

NM_000212.3(ITGB3):c.1943G>A (p.Arg648Gln)

Gene: ITGB3 (integrin subunit beta 3; plus strand). Cytogenetic location: 17q21.32.
Variant type: single nucleotide variant.
Coding change: c.1943G>A on transcript NM_000212.3 (MANE Select); coding-DNA position 1943, G replaced by A.
Protein change: p.Arg648Gln; replaces arginine 648 with glutamine.
Molecular consequence: missense variant.
Genome position (GRCh38, 1-based): chr17:47,300,507, G>A. VCF-style: chr17-47300507-G-A. GRCh37 (hg19) VCF-style: chr17-45377873-G-A.
Other names: short protein forms R648Q.
Identifiers: ClinVar variation 3709776 (VCV003709776.2).

ClinVar aggregate classification (germline): Uncertain significance (1 of 4 stars; one submission).

gnomAD v4.1: 13 of 1,613,932 alleles (0.00081%); highest among the groups gnomAD compares: Middle Eastern, 0.033%; no homozygotes.

Submission:

Labcorp Genetics (formerly Invitae), Labcorp
Classification: Uncertain significance. Last evaluated: 2024-07-08. Review status: criteria provided, single submitter. Criteria: Invitae Variant Classification Sherloc (09022015). Collection method: clinical testing. Allele origin: germline.
Comment: This sequence change replaces arginine, which is basic and polar, with glutamine, which is neutral and polar, at codon 648 of the ITGB3 protein (p.Arg648Gln). This variant is present in population databases (no rsID available, gnomAD no frequency). This variant has not been reported in the literature in individuals affected with ITGB3-related conditions. Advanced modeling of protein sequence and biophysical properties (such as structural, functional, and spatial information, amino acid conservation, physicochemical variation, residue mobility, and thermodynamic stability) performed at Invitae indicates that this missense variant is not expected to disrupt ITGB3 protein function with a negative predictive value of 80%. In summary, the available evidence is currently insufficient to determine the role of this variant in disease. Therefore, it has been classified as a Variant of Uncertain Significance.